The following is an entry in ClinVar:

ClinVar aggregate classification (germline): Uncertain significance (1 of 4 stars; one submission).

Submission:

Labcorp Genetics (formerly Invitae), Labcorp
Classification: Uncertain significance. Last evaluated: 2024-04-27. Review status: criteria provided, single submitter. Criteria: Invitae Variant Classification Sherloc (09022015). Collection method: clinical testing. Allele origin: germline.
Comment: This sequence change replaces serine, which is neutral and polar, with phenylalanine, which is neutral and non-polar, at codon 271 of the LEMD3 protein (p.Ser271Phe). This variant is not present in population databases (gnomAD no frequency). This variant has not been reported in the literature in individuals affected with LEMD3-related conditions. Advanced modeling of protein sequence and biophysical properties (such as structural, functional, and spatial information, amino acid conservation, physicochemical variation, residue mobility, and thermodynamic stability) performed at Invitae indicates that this missense variant is not expected to disrupt LEMD3 protein function with a negative predictive value of 80%. In summary, the available evidence is currently insufficient to determine the role of this variant in disease. Therefore, it has been classified as a Variant of Uncertain Significance.

NM_014319.5(LEMD3):c.812C>T (p.Ser271Phe)

Gene: LEMD3 (LEM domain containing 3; plus strand). Cytogenetic location: 12q14.3.
Variant type: single nucleotide variant.
Coding change: c.812C>T on transcript NM_014319.5 (MANE Select); coding-DNA position 812, C replaced by T.
Protein change: p.Ser271Phe; replaces serine 271 with phenylalanine.
Molecular consequence: missense variant.
Genome position (GRCh38, 1-based): chr12:65,170,408, C>T. VCF-style: chr12-65170408-C-T. GRCh37 (hg19) VCF-style: chr12-65564188-C-T.
Other names: c.812C>T, p.Ser271Phe (NM_001167614.2); short protein forms S271F.
Identifiers: ClinVar variation 3674461 (VCV003674461.2).